The following is an entry in ClinVar:

NM_014795.4(ZEB2):c.625C>T (p.Gln209Ter)

Gene: ZEB2 (zinc finger E-box binding homeobox 2; minus strand). Cytogenetic location: 2q22.3.
Variant type: single nucleotide variant.
Coding change: c.625C>T on transcript NM_014795.4 (MANE Select); coding-DNA position 625, C replaced by T.
Protein change: p.Gln209Ter; replaces glutamine 209 with a stop codon.
Molecular consequence: nonsense.
Genome position (GRCh38, 1-based): chr2:144,404,098, G>A on the plus strand (C>T on the coding strand, the complement: ZEB2 is on the minus strand). VCF-style: chr2-144404098-G-A. GRCh37 (hg19) VCF-style: chr2-145161665-G-A.
Other names: c.553C>T, p.Gln185Ter (NM_001171653.2); short protein forms Q185*, Q209*.
Identifiers: ClinVar variation 1180834 (VCV001180834.4), dbSNP rs527679524, ClinGen allele CA348714959.

ClinVar aggregate classification (germline): Pathogenic. Review status: criteria provided, multiple submitters, no conflicts (2 of 4 stars). 3 submissions from 3 submitters: Pathogenic (3). Last evaluated 2025-12-30.

Conditions:
Abnormality of the nervous system. Also called: Congenital nervous system disorder. Identifiers: MedGen C0497552, MONDO:0002320, HP:0000707.
Mowat-Wilson syndrome (MOWS). Also called: Classic Mowat-Wilson Syndrome. Identifiers: Orphanet 2152, MedGen C1856113, MONDO:0009341, OMIM 235730.

Submissions (3):

Labcorp Genetics (formerly Invitae), Labcorp
Classification: Pathogenic for Mowat-Wilson syndrome. Last evaluated: 2025-12-30. Review status: criteria provided, single submitter. Criteria: Invitae Variant Classification Sherloc (09022015). Collection method: clinical testing. Allele origin: germline.
Comment: This sequence change creates a premature translational stop signal (p.Gln209*) in the ZEB2 gene. It is expected to result in an absent or disrupted protein product. Loss-of-function variants in ZEB2 are known to be pathogenic (PMID: 16053902). This variant is not present in population databases (gnomAD no frequency). This premature translational stop signal has been observed in individual(s) with Mowat-Wilson syndrome (PMID: 23322667). ClinVar contains an entry for this variant (Variation ID: 1180834). For these reasons, this variant has been classified as Pathogenic.

Medical Genetics Unit, Azienda USL-IRCCS di Reggio Emilia
Classification: Pathogenic for Mowat-Wilson syndrome. Last evaluated: 2023-10-20. Review status: criteria provided, single submitter. Criteria: ACMG Guidelines, 2015. Collection method: clinical testing. Allele origin: de novo. Affected: yes. Observed: 1 variant allele.
Comment: Heterozygous variant associated with Mowat-Wilson syndrome in at least 1 individual. ACMG/AMP criteria PVS1, PS2, PM2, PP4

Kariminejad - Najmabadi Pathology & Genetics Center
Classification: Pathogenic for Abnormality of the nervous system. Last evaluated: 2021-07-10. Review status: criteria provided, single submitter. Criteria: ACMG Guidelines, 2015. Collection method: clinical testing. Allele origin: de novo. Affected: yes.

Literature cited by the submitters: PubMed 16053902 (cited by Labcorp Genetics (formerly Invitae), Labcorp); PubMed 23322667 (cited by Labcorp Genetics (formerly Invitae), Labcorp); PubMed 29300384 (cited by Medical Genetics Unit, Azienda USL-IRCCS di Reggio Emilia).